The following is an entry in ClinVar:

NM_003119.4(SPG7):c.516C>T (p.His172=)

Gene: SPG7 (SPG7 matrix AAA peptidase subunit, paraplegin; plus strand). Cytogenetic location: 16q24.3.
Variant type: single nucleotide variant.
Coding change: c.516C>T on transcript NM_003119.4 (MANE Select); coding-DNA position 516, C replaced by T.
Protein change: p.His172=; no amino-acid change (histidine 172 retained).
Molecular consequence: synonymous variant.
Genome position (GRCh38, 1-based): chr16:89,524,145, C>T. VCF-style: chr16-89524145-C-T. GRCh37 (hg19) VCF-style: chr16-89590553-C-T.
Other names: c.516C>T, p.His172= (NM_001363850.1, NM_199367.3).
Identifiers: ClinVar variation 510879 (VCV000510879.9), dbSNP rs141065708, ClinGen allele CA8243662.

ClinVar aggregate classification (germline): Conflicting classifications of pathogenicity. Review status: criteria provided, conflicting classifications (1 of 4 stars). 4 submissions from 4 submitters: Uncertain significance (1); Likely benign (3). Last evaluated 2024-04-29.

Conditions:
Hereditary spastic paraplegia. Also called: Familial spastic paraparesis. Identifiers: Orphanet 685, MedGen C0037773, MONDO:0019064. Disease mechanism: loss of function.
Hereditary spastic paraplegia 7 (SPG7). Also called: Spastic paraplegia 7; Hereditary spastic paraplegia Paraplegin type; SPASTIC PARAPLEGIA 7, AUTOSOMAL RECESSIVE, WITH OR WITHOUT CEREBELLAR ATAXIA; Autosomal recessive spastic paraplegia type 7; SPG7-related neurologic disorder. Identifiers: Orphanet 99013, MedGen C1846564, MONDO:0011803, OMIM 607259.

Allele frequency attached by ClinVar (database versions not stated): gnomAD exomes 0.00001; ExAC 0.00002; gnomAD 0.00005 and 0.00006; TOPMed 0.00005; ESP Exome Variant Server 0.00008.
gnomAD v4.1: 80 of 1,613,978 alleles (0.005%); highest among the groups gnomAD compares: Middle Eastern, 0.033%; no homozygotes.

Submissions (4):

Blueprint Genetics
Classification: Likely benign. Last evaluated: 2024-04-29. Review status: criteria provided, single submitter. Criteria: ACMG Guidelines, 2015. Collection method: clinical testing. Allele origin: germline.

Labcorp Genetics (formerly Invitae), Labcorp
Classification: Likely benign for Hereditary spastic paraplegia 7. Last evaluated: 2022-09-13. Review status: criteria provided, single submitter. Criteria: Invitae Variant Classification Sherloc (09022015). Collection method: clinical testing. Allele origin: germline.

GeneDx
Classification: Likely benign. Last evaluated: 2017-07-17. Review status: criteria provided, single submitter. Criteria: GeneDx Variant Classification (06012015). Collection method: clinical testing. Allele origin: germline. Affected: yes.
Comment: This variant is considered likely benign or benign based on one or more of the following criteria: it is a conservative change, it occurs at a poorly conserved position in the protein, it is predicted to be benign by multiple in silico algorithms, and/or has population frequency not consistent with disease.

Genome Diagnostics Laboratory, The Hospital for Sick Children
Classification: Uncertain significance for Hereditary spastic paraplegia. Last evaluated: 2016-12-12. Review status: criteria provided, single submitter. Criteria: ACMG Guidelines, 2015. Collection method: clinical testing. Allele origin: germline. Affected: yes.